The following is an entry in ClinVar:

ClinVar aggregate classification (germline): Uncertain significance (1 of 4 stars; one submission).

Submission:

GeneDx
Classification: Uncertain significance. Last evaluated: 2017-07-25. Review status: criteria provided, single submitter. Criteria: GeneDx Variant Classification (06012015). Collection method: clinical testing. Allele origin: germline. Affected: yes.
Comment: The L395V variant in the SERPING1 gene has not been reported previously as a pathogenic variant, nor as a benign variant, to our knowledge. This variant is not observed in large population cohorts (Lek et al., 2016; 1000 Genomes Consortium et al., 2015; Exome Variant Server). The L395V variant is a semi-conservative amino acid substitution, which may impact secondary protein structure as these residues differ in some properties. In addition, this substitution occurs at a position that is not conserved across species, and in silico analysis predicts this variant likely does not alter the protein structure/function. However, missense variants in nearby residues (T394P, L396P, L398P, and L398Q) have been reported in the Human Gene Mutation Database in association with SERPING1-related disorders (Stenson et al., 2014), supporting the functional importance of this region of the protein. We interpret L395V as a variant of uncertain significance.

NM_000062.3(SERPING1):c.1183C>G (p.Leu395Val)

Gene: SERPING1 (serpin family G member 1; plus strand). Cytogenetic location: 11q12.1.
Variant type: single nucleotide variant.
Coding change: c.1183C>G on transcript NM_000062.3 (MANE Select); coding-DNA position 1183, C replaced by G.
Protein change: p.Leu395Val; replaces leucine 395 with valine.
Molecular consequence: missense variant.
Genome position (GRCh38, 1-based): chr11:57,611,870, C>G. VCF-style: chr11-57611870-C-G. GRCh37 (hg19) VCF-style: chr11-57379343-C-G.
Other names: c.1183C>G, p.Leu395Val (NM_001032295.2); short protein forms L395V.
Identifiers: ClinVar variation 450648 (VCV000450648.2), dbSNP rs368990869, ClinGen allele CA380703259.